The following is an entry in ClinVar:

NM_138694.4(PKHD1):c.3366C>T (p.Gly1122=)

Gene: PKHD1 (PKHD1 ciliary IPT domain containing fibrocystin/polyductin; minus strand). Cytogenetic location: 6p12.2.
Variant type: single nucleotide variant.
Coding change: c.3366C>T on transcript NM_138694.4 (MANE Select); coding-DNA position 3366, C replaced by T.
Protein change: p.Gly1122=; no amino-acid change (glycine 1122 retained).
Molecular consequence: synonymous variant.
Genome position (GRCh38, 1-based): chr6:52,028,350, G>A on the plus strand (C>T on the coding strand, the complement: PKHD1 is on the minus strand). VCF-style: chr6-52028350-G-A. GRCh37 (hg19) VCF-style: chr6-51893148-G-A.
Other names: c.3366C>T (NM_138694.3); c.3366C>T, p.Gly1122= (NM_170724.3).
Identifiers: ClinVar variation 1355466 (VCV001355466.9), dbSNP rs145979687, ClinGen allele CA3852962.

ClinVar aggregate classification (germline): Conflicting classifications of pathogenicity. Review status: criteria provided, conflicting classifications (1 of 4 stars). 3 submissions from 3 submitters: Uncertain significance (1); Likely benign (1). 1 of the submissions does not count toward it. Last evaluated 2024-03-02.

Conditions:
Polycystic kidney disease 4 (PKD4). Also called: POLYCYSTIC KIDNEY AND HEPATIC DISEASE 1; POLYCYSTIC KIDNEY DISEASE, INFANTILE, TYPE I; PKD3; POLYCYSTIC KIDNEY DISEASE 4 WITH OR WITHOUT POLYCYSTIC LIVER DISEASE; Autosomal Recessive Polycystic Kidney Disease – PKHD1. Identifiers: MedGen C4540575, MONDO:0033004, OMIM 263200.
PKHD1-related disorder. Also called: PKHD1-related condition.
Autosomal recessive polycystic kidney disease (ARPKD). Also called: AR polycystic kidney disease. Identifiers: Orphanet 731, Orphanet 8378, MedGen C0085548, MeSH D017044, MONDO:0009889.

Allele frequency attached by ClinVar (database versions not stated): gnomAD 0.00003; TOPMed 0.00003; ExAC 0.00005; gnomAD exomes 0.00005; ESP Exome Variant Server 0.00015.
gnomAD v4.1: 77 of 1,612,880 alleles (0.0048%); highest among the groups gnomAD compares: Non-Finnish European, 0.0061%; no homozygotes.

Submissions (3):

Labcorp Genetics (formerly Invitae), Labcorp
Classification: Likely benign for Autosomal recessive polycystic kidney disease. Last evaluated: 2024-03-02. Review status: criteria provided, single submitter. Criteria: Invitae Variant Classification Sherloc (09022015). Collection method: clinical testing. Allele origin: germline.

Department of Pathology and Laboratory Medicine, Sinai Health System
Classification: Uncertain significance for Polycystic kidney disease 4. Last evaluated: 2022-08-11. Review status: criteria provided, single submitter. Criteria: ACMG Guidelines, 2015. Collection method: clinical testing. Allele origin: germline. Affected: yes.

PreventionGenetics, part of Exact Sciences
Classification: Likely benign for PKHD1-related condition. Last evaluated: 2023-12-07. Review status: no assertion criteria provided. Collection method: clinical testing. Allele origin: germline. Not counted in ClinVar's aggregate classification.
Comment: This variant is classified as likely benign based on ACMG/AMP sequence variant interpretation guidelines (Richards et al. 2015 PMID: 25741868, with internal and published modifications).